The following is an entry in ClinVar:

ClinVar aggregate classification (germline): Likely benign. Review status: criteria provided, multiple submitters, no conflicts (2 of 4 stars). 4 submissions from 4 submitters: Likely benign (4). Last evaluated 2025-08-30.

Conditions:
Hereditary nonpolyposis colorectal neoplasms. Identifiers: MedGen C0009405, MeSH D003123.
Hereditary breast ovarian cancer syndrome. Also called: Hereditary breast and/or ovarian cancer syndrome; BRCA1- and BRCA2-Associated Hereditary Breast and Ovarian Cancer; Breast and ovarian cancer; Hereditary breast and ovarian cancer; Hereditary breast and ovarian cancer syndrome; Hereditary breast and ovarian cancer syndrome (HBOC). Identifiers: Orphanet 145, MedGen C0677776, MeSH D061325, MONDO:0003582. Disease mechanism: loss of function.
Hereditary cancer-predisposing syndrome. Also called: Hereditary neoplastic syndrome; Tumor predisposition; Hereditary Cancer Syndrome; Neoplastic Syndromes, Hereditary. Identifiers: Orphanet 140162, MedGen C0027672, MeSH D009386, MONDO:0015356.

gnomAD v4.1: 2 of 1,610,570 alleles (0.00012%); highest among the groups gnomAD compares: East Asian, 0.0022%; no homozygotes.

Submissions (4):

Labcorp Genetics (formerly Invitae), Labcorp
Classification: Likely benign for Hereditary nonpolyposis colorectal neoplasms. Last evaluated: 2025-08-30. Review status: criteria provided, single submitter. Criteria: Invitae Variant Classification Sherloc (09022015). Collection method: clinical testing. Allele origin: germline.

Ambry Genetics
Classification: Likely benign for Hereditary cancer-predisposing syndrome. Last evaluated: 2024-06-04. Review status: criteria provided, single submitter. Criteria: Ambry Variant Classification Scheme 2023. Collection method: clinical testing. Allele origin: germline.

German Consortium for Hereditary Breast and Ovarian Cancer, University Hospital Cologne
Classification: Likely benign for Hereditary breast ovarian cancer syndrome. Last evaluated: 2024-01-17. Review status: criteria provided, single submitter. Criteria: ACMG Guidelines, 2015. Collection method: curation. Allele origin: germline.
Comment: . According to the ACMG standard criteria we chose these criteria: PM2 (supporting pathogenic): not in gnomAD, BP4 (supporting benign): spliceAI:PMS2:0.0, BS3 (strong benign): Own splicing analysis showed no effect on splicing

Color Diagnostics, LLC DBA Color Health
Classification: Likely benign for Hereditary cancer-predisposing syndrome. Last evaluated: 2017-11-06. Review status: criteria provided, single submitter. Criteria: ACMG Guidelines, 2015. Collection method: clinical testing. Allele origin: germline.

NM_000535.7(PMS2):c.24-4C>G

Gene: PMS2 (PMS1 homolog 2, mismatch repair system component; minus strand). Cytogenetic location: 7p22.1.
Variant type: single nucleotide variant.
Coding change: c.24-4C>G on transcript NM_000535.7 (MANE Select); 4 bases into the intron before coding-DNA position 24, C replaced by G.
Molecular consequence: intron variant.
Genome position (GRCh38, 1-based): chr7:6,006,035, G>C on the plus strand (C>G on the coding strand, the complement: PMS2 is on the minus strand). VCF-style: chr7-6006035-G-C. GRCh37 (hg19) VCF-style: chr7-6045666-G-C.
Other names: c.-52-1977C>G (NM_001322008.2); c.-242-1977C>G (NM_001322010.2, NM_001322004.2); c.-377-9C>G (NM_001322013.2, NM_001322003.2, NM_001322009.2); c.-856-9C>G (NM_001322012.2); c.-456-9C>G (NM_001322015.2); c.-192-4C>G (NM_001322007.2); c.-861-4C>G (NM_001322011.2); c.24-4C>G (NM_001322006.2, NM_001322014.2); and 1 more.
Identifiers: ClinVar variation 492274 (VCV000492274.21), dbSNP rs2345056, ClinGen allele CA658683468.